The following is an entry in ClinVar:

NM_001329943.3(KIAA0586):c.1657G>C (p.Asp553His)

Gene: KIAA0586 (KIAA0586; plus strand). Cytogenetic location: 14q23.1.
Variant type: single nucleotide variant.
Coding change: c.1657G>C on transcript NM_001329943.3 (MANE Select); coding-DNA position 1657, G replaced by C.
Protein change: p.Asp553His; replaces aspartic acid 553 with histidine.
Molecular consequence: missense variant. On other transcripts: intron variant (1).
Genome position (GRCh38, 1-based): chr14:58,459,843, G>C. VCF-style: chr14-58459843-G-C. GRCh37 (hg19) VCF-style: chr14-58926561-G-C.
Other names: c.1816G>C, p.Asp606His (NM_001244189.2); c.1612G>C, p.Asp538His (NM_001244190.2); c.1402G>C, p.Asp468His (NM_001244191.2, NM_001329945.2, NM_001364700.1 and 1 more transcripts); c.1525G>C, p.Asp509His (NM_001244192.2); c.1237G>C, p.Asp413His (NM_001244193.2); c.1657G>C, p.Asp553His (NM_001329944.2, NM_001329946.2, NM_001329947.2); c.1657-1143G>C (NM_014749.5); short protein forms D538H, D509H, D553H, D468H, D606H, D413H.
Identifiers: ClinVar variation 1441254 (VCV001441254.3), dbSNP rs1214561950, ClinGen allele CA389870328.
Genomic context (GRCh38, chr14:58,459,843, plus strand): 5'-GATGTGAAAGCATTACTATTTGTAGACATTTTAAGTAATTTTAACTTTGGTTATGTTAAG[G>C]ATGAACTGTCAAGAACAGATTATGAACAAAAAAGATTTGATCAGAAGAATCAGAGAACCA-3'
Protein context (NP_001316872.1, residues 543-563): WIKTISAEIQ[Asp553His]ELSRTDYEQK

ClinVar aggregate classification (germline): Uncertain significance (1 of 4 stars; one submission).

Conditions:
Joubert syndrome 23 (JBTS23). Identifiers: Orphanet 475, MedGen C4084822, MONDO:0014664, OMIM 616490.
Short-rib thoracic dysplasia 14 with polydactyly (SRTD14). Identifiers: Orphanet 397715, MedGen C4225286, MONDO:0014688, OMIM 616546.

Allele frequency attached by ClinVar (database versions not stated): gnomAD 0.00005 and 0.00006; gnomAD exomes 0.00005; TOPMed 0.00008.
gnomAD v4.1: 46 of 1,493,666 alleles (0.0031%); highest among the groups gnomAD compares: Non-Finnish European, 0.0024%; no homozygotes.

Submission:

Labcorp Genetics (formerly Invitae), Labcorp
Classification: Uncertain significance for Joubert syndrome 23; Short-rib thoracic dysplasia 14 with polydactyly. Last evaluated: 2022-08-09. Review status: criteria provided, single submitter. Criteria: Invitae Variant Classification Sherloc (09022015). Collection method: clinical testing. Allele origin: germline.
Comment: This sequence change replaces aspartic acid, which is acidic and polar, with histidine, which is basic and polar, at codon 606 of the KIAA0586 protein (p.Asp606His). This variant is present in population databases (no rsID available, gnomAD 0.07%). This variant has not been reported in the literature in individuals affected with KIAA0586-related conditions. ClinVar contains an entry for this variant (Variation ID: 1441254). Algorithms developed to predict the effect of missense changes on protein structure and function are either unavailable or do not agree on the potential impact of this missense change (SIFT: "Deleterious"; PolyPhen-2: "Probably Damaging"; Align-GVGD: "Class C0"). Algorithms developed to predict the effect of sequence changes on RNA splicing suggest that this variant may disrupt the consensus splice site. In summary, the available evidence is currently insufficient to determine the role of this variant in disease. Therefore, it has been classified as a Variant of Uncertain Significance.